The following is an entry in ClinVar:

NM_000302.4(PLOD1):c.805G>A (p.Val269Met)

Gene: PLOD1 (procollagen-lysine,2-oxoglutarate 5-dioxygenase 1; plus strand). Cytogenetic location: 1p36.22.
Variant type: single nucleotide variant.
Coding change: c.805G>A on transcript NM_000302.4 (MANE Select); coding-DNA position 805, G replaced by A.
Protein change: p.Val269Met; replaces valine 269 with methionine.
Molecular consequence: missense variant.
Genome position (GRCh38, 1-based): chr1:11,957,905, G>A. VCF-style: chr1-11957905-G-A. GRCh37 (hg19) VCF-style: chr1-12017962-G-A.
Other names: p.Val269Met; c.946G>A, p.Val316Met (NM_001316320.2); short protein forms V269M, V316M.
Identifiers: ClinVar variation 459829 (VCV000459829.29), dbSNP rs145447578, ClinGen allele CA598145.

ClinVar aggregate classification (germline): Uncertain significance. Review status: criteria provided, multiple submitters, no conflicts (2 of 4 stars). 7 submissions from 7 submitters: Uncertain significance (7). Last evaluated 2025-10-01.

Conditions:
Familial thoracic aortic aneurysm and aortic dissection (TAAD). Also called: Thoracic aortic aneurysms and dissections. Identifiers: Orphanet 91387, MedGen C4707243, MONDO:0019625.
Ehlers-Danlos syndrome, kyphoscoliotic type 1 (EDSKSCL1). Also called: EHLERS-DANLOS SYNDROME, TYPE VIA; Ehlers-Danlos syndrome, hydroxylysine-deficient; EHLERS-DANLOS SYNDROME, OCULAR-SCOLIOTIC TYPE; PLOD1-Related Kyphoscoliotic Ehlers-Danlos Syndrome. Identifiers: Orphanet 1900, MedGen C0268342, MONDO:0016002, OMIM 225400. Disease mechanism: loss of function.

Allele frequency attached by ClinVar (database versions not stated): gnomAD exomes 0.00003 and 0.00007; ExAC 0.00004; gnomAD 0.00004; TOPMed 0.00007; ESP Exome Variant Server 0.00015.
gnomAD v4.1: 108 of 1,613,826 alleles (0.0067%); highest among the groups gnomAD compares: Non-Finnish European, 0.0084%; no homozygotes.

Submissions (7):

GeneDx
Classification: Uncertain significance. Last evaluated: 2025-10-01. Review status: criteria provided, single submitter. Criteria: GeneDx Variant Classification Process June 2021. Collection method: clinical testing. Allele origin: germline. Affected: yes.
Comment: Not observed at significant frequency in large population cohorts (gnomAD); In silico analysis suggests that this missense variant does not alter protein structure/function; Has not been previously reported as pathogenic or benign to our knowledge; This variant is associated with the following publications: (PMID: 28492532)

Mayo Clinic Laboratories, Mayo Clinic
Classification: Uncertain significance. Last evaluated: 2025-09-09. Review status: criteria provided, single submitter. Criteria: ACMG Guidelines, 2015. Collection method: clinical testing. Allele origin: germline. Observed: 2 variant alleles.
Comment: BP4_moderate

Ambry Genetics
Classification: Uncertain significance for Familial thoracic aortic aneurysm and aortic dissection. Last evaluated: 2025-06-28. Review status: criteria provided, single submitter. Criteria: Ambry Variant Classification Scheme 2023. Collection method: clinical testing. Allele origin: germline.
Comment: The p.V269M variant (also known as c.805G>A), located in coding exon 8 of the PLOD1 gene, results from a G to A substitution at nucleotide position 805. The valine at codon 269 is replaced by methionine, an amino acid with highly similar properties. This amino acid position is well conserved in available vertebrate species; however, methionine is the reference amino acid in other vertebrate species. In addition, this alteration is predicted to be tolerated by in silico analysis. Since supporting evidence is limited at this time, the clinical significance of this alteration remains unclear.

Women's Health and Genetics/Laboratory Corporation of America, LabCorp
Classification: Uncertain significance. Last evaluated: 2025-05-19. Review status: criteria provided, single submitter. Criteria: LabCorp Variant Classification Summary - May 2015. Collection method: clinical testing. Allele origin: germline.
Comment: Variant summary: PLOD1 c.805G>A (p.Val269Met) results in a conservative amino acid change in the encoded protein sequence. Algorithms developed to predict the effect of missense changes on protein structure and function are either unavailable or do not agree on the potential impact of this missense change. The variant allele was found at a frequency of 3.2e-05 in 251438 control chromosomes (gnomAD). The available data on variant occurrences in the general population are insufficient to allow any conclusion about variant significance. To our knowledge, no occurrence of c.805G>A in individuals affected with Ehlers-Danlos syndrome, kyphoscoliotic type 1 and no experimental evidence demonstrating its impact on protein function have been reported. ClinVar contains an entry for this variant (Variation ID: 459829). Based on the evidence outlined above, the variant was classified as uncertain significance.

Labcorp Genetics (formerly Invitae), Labcorp
Classification: Uncertain significance for Ehlers-Danlos syndrome, kyphoscoliotic type 1. Last evaluated: 2022-03-11. Review status: criteria provided, single submitter. Criteria: Invitae Variant Classification Sherloc (09022015). Collection method: clinical testing. Allele origin: germline.
Comment: This sequence change replaces valine, which is neutral and non-polar, with methionine, which is neutral and non-polar, at codon 269 of the PLOD1 protein (p.Val269Met). This variant is present in population databases (rs145447578, gnomAD 0.007%). This variant has not been reported in the literature in individuals affected with PLOD1-related conditions. ClinVar contains an entry for this variant (Variation ID: 459829). Algorithms developed to predict the effect of missense changes on protein structure and function are either unavailable or do not agree on the potential impact of this missense change (SIFT: "Deleterious"; PolyPhen-2: "Benign"; Align-GVGD: "Class C0"). In summary, the available evidence is currently insufficient to determine the role of this variant in disease. Therefore, it has been classified as a Variant of Uncertain Significance.

Fulgent Genetics
Classification: Uncertain significance for Ehlers-Danlos syndrome, kyphoscoliotic type 1. Last evaluated: 2021-11-08. Review status: criteria provided, single submitter. Criteria: ACMG Guidelines, 2015. Collection method: clinical testing. Allele origin: unknown.

ARUP Laboratories, Molecular Genetics and Genomics, ARUP Laboratories
Classification: Uncertain significance for Ehlers-Danlos syndrome, kyphoscoliotic type 1. Last evaluated: 2020-02-07. Review status: criteria provided, single submitter. Criteria: ARUP Molecular Germline Variant Investigation Process. Collection method: clinical testing. Allele origin: germline.
Comment: The PLOD1 c.805G>A; p.Val269Met variant (rs145447578), to our knowledge, is not reported in the medical literature but is reported in ClinVar (Variation ID: 459829). This variant is found on only eight chromosomes (8/251438 alleles) in the Genome Aggregation Database. The valine at codon 269 is highly conserved but computational analyses (SIFT, PolyPhen-2) predict that this variant is tolerated. However, due to limited information, the clinical significance of the p.Val269Met variant is uncertain at this time.